The following is an entry in ClinVar:

NM_001363711.2(DUOX2):c.2907dup (p.Thr970fs)

Gene: DUOX2 (dual oxidase 2; minus strand). Cytogenetic location: 15q21.1.
Variant type: Duplication.
Coding change: c.2907dup on transcript NM_001363711.2 (MANE Select); coding-DNA position 2907, one base duplicated (G; older notation c.2907dupG).
Protein change: p.Thr970fs; shifts the reading frame from threonine 970.
Molecular consequence: frameshift variant.
Genome position (GRCh38, 1-based): chr15:45,101,219, C duplicated on the plus strand (G on the coding strand, the reverse complement: DUOX2 is on the minus strand); the first of 2 consecutive C bases (chr15:45,101,219-45,101,220); duplicating either gives the same sequence. VCF-style (leftmost placement, unchanged base first): chr15-45101218-T-TC. GRCh37 (hg19) VCF-style: chr15-45393416-T-TC.
Other names: c.2907dup, p.Thr970fs (NM_014080.5); c.2907dupG (NM_014080.4); short protein forms T970fs.
Identifiers: ClinVar variation 280847 (VCV000280847.8), dbSNP rs775863038, ClinGen allele CA7538094.

ClinVar aggregate classification (germline): Pathogenic/Likely pathogenic. Review status: criteria provided, multiple submitters, no conflicts (2 of 4 stars). 4 submissions from 4 submitters: Pathogenic (3); Likely pathogenic (1). Last evaluated 2026-04-24.

Conditions:
DUOX2-related disorder. Also called: DUOX2-related condition.

Submissions (4):

Dasa
Classification: Likely pathogenic. Last evaluated: 2026-04-24. Review status: criteria provided, single submitter. Criteria: DASA Assertion Criteria. Collection method: clinical testing. Allele origin: germline.
Comment: NM_001363711.2(DUOX2):c.2907dup (p.Thr970Aspfs*152) is a frameshift variant in DUOX2 predicted to alter the reading frame and introduce a premature termination codon and is predicted to result in an absent or altered protein product. Loss of function is an established disease mechanism for DUOX2-associated disorders. Also, this variant is rare in population databases. Based on the currently available evidence, this variant is classified as likely pathogenic.

Labcorp Genetics (formerly Invitae), Labcorp
Classification: Pathogenic. Last evaluated: 2025-12-10. Review status: criteria provided, single submitter. Criteria: Invitae Variant Classification Sherloc (09022015). Collection method: clinical testing. Allele origin: germline.
Comment: This sequence change creates a premature translational stop signal (p.Thr970Aspfs*152) in the DUOX2 gene. It is expected to result in an absent or disrupted protein product. Loss-of-function variants in DUOX2 are known to be pathogenic (PMID: 12110737, 18765513, 21565790, 24423310, 24735383). This variant is present in population databases (rs775863038, gnomAD 0.002%). This variant has not been reported in the literature in individuals affected with DUOX2-related conditions. ClinVar contains an entry for this variant (Variation ID: 280847). For these reasons, this variant has been classified as Pathogenic.

PreventionGenetics, part of Exact Sciences
Classification: Pathogenic for DUOX2-related condition. Last evaluated: 2024-12-12. Review status: criteria provided, single submitter. Criteria: ACMG Guidelines, 2015. Collection method: clinical testing. Allele origin: germline.
Comment: The DUOX2 c.2907dupG variant is predicted to result in a frameshift and premature protein termination (p.Thr970Aspfs*152). To our knowledge, this variant has not been reported in the literature in patients affected with DUOX2-related disorders. This variant is reported in 0.0018% of alleles in individuals of European (Non-Finnish) descent in gnomAD. Frameshift variants in DUOX2 are expected to be pathogenic. This variant is interpreted as pathogenic.

GeneDx
Classification: Pathogenic. Last evaluated: 2016-09-02. Review status: criteria provided, single submitter. Criteria: GeneDx Variant Classification (06012015). Collection method: clinical testing. Allele origin: germline. Affected: yes.
Comment: The c.2907dupG pathogenic variant in the DUOX2 gene has not been reported previously as a pathogenic variant nor as a benign variant, to our knowledge. The c.2907dupG variant causes a frameshift starting with codon Threonine 970, changes this amino acid to a Aspartic acid residue, and creates a premature Stop codon at position 152 of the new reading frame, denoted p.Thr970AspfsX152. This variant is predicted to cause loss of normal protein function either through protein truncation or nonsense-mediated mRNA decay. The c.2907dupG variant was not observed in approximately 6500 individuals of European and African American ancestry in the NHLBI Exome Sequencing Project, indicating it is not a common benign variant in these populations. We interpret c.2907dupG as a pathogenic variant.

Literature cited by the submitters: PubMed 12110737 (cited by Labcorp Genetics (formerly Invitae), Labcorp); PubMed 18765513 (cited by Labcorp Genetics (formerly Invitae), Labcorp); PubMed 21565790 (cited by Labcorp Genetics (formerly Invitae), Labcorp); PubMed 24423310 (cited by Labcorp Genetics (formerly Invitae), Labcorp); PubMed 24735383 (cited by Labcorp Genetics (formerly Invitae), Labcorp).